The following is an entry in ClinVar:

ClinVar aggregate classification (germline): Uncertain significance. Review status: criteria provided, multiple submitters, no conflicts (2 of 4 stars). 3 submissions from 3 submitters: Uncertain significance (2). 1 of the submissions does not count toward it. Last evaluated 2023-04-19.

Conditions:
Alport syndrome. Also called: Hemorrhagic familial nephritis; Hemorrhagic hereditary nephritis; Congenital hereditary hematuria. Identifiers: Orphanet 63, MedGen C1567741, MONDO:0018965.
Inborn genetic diseases. Identifiers: MedGen C0950123, MeSH D030342.

gnomAD v4.1: 15 of 1,613,144 alleles (0.00093%); highest among the groups gnomAD compares: Non-Finnish European, 0.0012%; no homozygotes.

Submissions (3):

Ambry Genetics
Classification: Uncertain significance for Inborn genetic diseases. Last evaluated: 2023-04-19. Review status: criteria provided, single submitter. Criteria: Ambry Variant Classification Scheme 2023. Collection method: clinical testing. Allele origin: germline.

Labcorp Genetics (formerly Invitae), Labcorp
Classification: Uncertain significance. Last evaluated: 2021-09-01. Review status: criteria provided, single submitter. Criteria: Invitae Variant Classification Sherloc (09022015). Collection method: clinical testing. Allele origin: germline.
Comment: This sequence change replaces serine with arginine at codon 1594 of the COL4A4 protein (p.Ser1594Arg). The serine residue is highly conserved and there is a moderate physicochemical difference between serine and arginine. This variant is not present in population databases (ExAC no frequency). This variant has not been reported in the literature in individuals affected with COL4A4-related conditions. Algorithms developed to predict the effect of missense changes on protein structure and function are either unavailable or do not agree on the potential impact of this missense change (SIFT: "Deleterious"; PolyPhen-2: "Not Available"; Align-GVGD: "Class C0"). In summary, the available evidence is currently insufficient to determine the role of this variant in disease. Therefore, it has been classified as a Variant of Uncertain Significance.

Natera, Inc.
Classification: Uncertain significance for Alport syndrome. Last evaluated: 2021-01-12. Review status: no assertion criteria provided. Collection method: clinical testing. Allele origin: germline. Not counted in ClinVar's aggregate classification.

NM_000092.5(COL4A4):c.4782C>G (p.Ser1594Arg)

Gene: COL4A4 (collagen type IV alpha 4 chain; minus strand). Cytogenetic location: 2q36.3.
Variant type: single nucleotide variant.
Coding change: c.4782C>G on transcript NM_000092.5 (MANE Select); coding-DNA position 4782, C replaced by G.
Protein change: p.Ser1594Arg; replaces serine 1594 with arginine.
Molecular consequence: missense variant.
Genome position (GRCh38, 1-based): chr2:227,008,045, G>C on the plus strand (C>G on the coding strand, the complement: COL4A4 is on the minus strand). VCF-style: chr2-227008045-G-C. GRCh37 (hg19) VCF-style: chr2-227872761-G-C.
Other names: short protein forms S1594R.
Identifiers: ClinVar variation 971091 (VCV000971091.6), dbSNP rs200799557, ClinGen allele CA351140491.
Genomic context (GRCh38, chr2:227,008,045, plus strand): 5'-ATGAGCCAGGGTTTTCAAGGGCACGGGACTCACCATCAGGAATGAATACCCGATCCAGAG[G>C]CTCCTCCAGGTCTGCGGACATGGGGGGATGGACTGGTCCTGGCTGTGCACCGCCACCGCC-3'
Protein context (NP_000083.3, residues 1584-1604): SIPPCPQTWR[Ser1594Arg]LWIGYSFLMH